The following is an entry in ClinVar:

ClinVar aggregate classification (germline): Benign/Likely benign. Review status: criteria provided, multiple submitters, no conflicts (2 of 4 stars). 5 submissions from 3 submitters: Benign (3); Likely benign (2). Last evaluated 2021-05-26.

Conditions:
Renal-hepatic-pancreatic dysplasia 1 (RHPD1). Identifiers: MedGen C3715199, MONDO:0008833, OMIM 208540.
NPHP3-related Meckel-like syndrome. Also called: GOLDSTON SYNDROME; Meckel syndrome type 7. Identifiers: Orphanet 3032, MedGen C2673885, MONDO:0009966, OMIM 267010.
Nephronophthisis 3 (NPHP3). Also called: Adolescent nephronophthisis. Identifiers: Orphanet 655, MedGen C1858392, MONDO:0011456, OMIM 604387.

Allele frequency attached by ClinVar (database versions not stated): gnomAD 0.02340 and 0.02518; 1000 Genomes Project 0.02456; TOPMed 0.02650; 1000 Genomes Project 30x 0.02717.

Submissions (5):

GeneDx
Classification: Benign. Last evaluated: 2021-05-26. Review status: criteria provided, single submitter. Criteria: GeneDx Variant Classification Process June 2021. Collection method: clinical testing. Allele origin: germline. Affected: yes.

Illumina Laboratory Services, Illumina
Classification: Likely benign for NPHP3-related Meckel-like syndrome. Last evaluated: 2018-01-13. Review status: criteria provided, single submitter. Criteria: ICSL Variant Classification Criteria 13 December 2019. Collection method: clinical testing. Allele origin: germline.
Comment: This variant was observed in the ICSL laboratory as part of a predisposition screen in an ostensibly healthy population. It had not been previously curated by ICSL or reported in the Human Gene Mutation Database (HGMD: prior to June 1st, 2018), and was therefore a candidate for classification through an automated scoring system. Utilizing variant allele frequency, disease prevalence and penetrance estimates, and inheritance mode, an automated score was calculated to assess if this variant is too frequent to cause the disease. Based on the score and internal cut-off values, a variant classified as likely benign is not then subjected to further curation. The score for this variant resulted in a classification of likely benign for this disease.

Illumina Laboratory Services, Illumina
Classification: Benign for Renal-hepatic-pancreatic dysplasia 1. Last evaluated: 2018-01-13. Review status: criteria provided, single submitter. Criteria: ICSL Variant Classification Criteria 13 December 2019. Collection method: clinical testing. Allele origin: germline.
Comment: This variant was observed in the ICSL laboratory as part of a predisposition screen in an ostensibly healthy population. It had not been previously curated by ICSL or reported in the Human Gene Mutation Database (HGMD: prior to June 1st, 2018), and was therefore a candidate for classification through an automated scoring system. Utilizing variant allele frequency, disease prevalence and penetrance estimates, and inheritance mode, an automated score was calculated to assess if this variant is too frequent to cause the disease. Based on the score and internal cut-off values, a variant classified as benign is not then subjected to further curation. The score for this variant resulted in a classification of benign for this disease.

Illumina Laboratory Services, Illumina
Classification: Benign for Nephronophthisis 3. Last evaluated: 2018-01-13. Review status: criteria provided, single submitter. Criteria: ICSL Variant Classification Criteria 13 December 2019. Collection method: clinical testing. Allele origin: germline.
Comment: the same text as in the submission from Illumina Laboratory Services, Illumina above.

Breakthrough Genomics
Classification: Likely benign. Review status: criteria provided, single submitter. Criteria: ACMG Guidelines, 2015. Collection method: not provided. Allele origin: germline. Inheritance: Autosomal recessive inheritance. Affected: yes.

NM_153240.5(NPHP3):c.*785G>A

Genes: NPHP3-ACAD11 (NPHP3-ACAD11 readthrough (NMD candidate); minus strand), NPHP3 (nephrocystin 3; minus strand). Cytogenetic location: 3q22.1.
Variant type: single nucleotide variant.
Coding change: c.*785G>A on transcript NM_153240.5 (MANE Select); 785 bases downstream of the stop codon, G replaced by A.
Molecular consequence: 3 prime UTR variant.
Genome position (GRCh38, 1-based): chr3:132,681,125, C>T on the plus strand (G>A on the coding strand, the complement: NPHP3 is on the minus strand). VCF-style: chr3-132681125-C-T. GRCh37 (hg19) VCF-style: chr3-132399969-C-T.
Identifiers: ClinVar variation 343359 (VCV000343359.7), dbSNP rs6774366, ClinGen allele CA10617279.